The following is an entry in ClinVar:

NM_017950.4(CCDC40):c.257A>G (p.Tyr86Cys)

Gene: CCDC40 (coiled-coil domain 40 molecular ruler complex subunit; plus strand). Cytogenetic location: 17q25.3.
Variant type: single nucleotide variant.
Coding change: c.257A>G on transcript NM_017950.4 (MANE Select); coding-DNA position 257, A replaced by G.
Protein change: p.Tyr86Cys; replaces tyrosine 86 with cysteine.
Molecular consequence: missense variant.
Genome position (GRCh38, 1-based): chr17:80,039,975, A>G. VCF-style: chr17-80039975-A-G. GRCh37 (hg19) VCF-style: chr17-78013774-A-G.
Other names: c.257A>G, p.Tyr86Cys (NM_001243342.2, NM_001330508.2); short protein forms Y86C.
Identifiers: ClinVar variation 325722 (VCV000325722.17), dbSNP rs202220442, ClinGen allele CA8813404.

ClinVar aggregate classification (germline): Uncertain significance. Review status: criteria provided, multiple submitters, no conflicts (2 of 4 stars). 5 submissions from 5 submitters: Uncertain significance (5). Last evaluated 2025-08-03.

Conditions:
Primary ciliary dyskinesia 15. Also called: CILIARY DYSKINESIA, PRIMARY, 15, WITH OR WITHOUT SITUS INVERSUS. Identifiers: Orphanet 244, MedGen C3151137, MONDO:0013435, OMIM 613808.
Primary ciliary dyskinesia. Also called: Ciliary dyskinesia. Identifiers: Orphanet 244, MedGen C0008780, MONDO:0016575, HP:0012265.

Allele frequency attached by ClinVar (database versions not stated): gnomAD 0.00009 and 0.00010; gnomAD exomes 0.00009 and 0.00007; ESP Exome Variant Server 0.00008; ExAC 0.00011; TOPMed 0.00011.
gnomAD v4.1: 159 of 1,613,936 alleles (0.0099%); highest among the groups gnomAD compares: Middle Eastern, 0.082%; no homozygotes.

Submissions (5):

Ambry Genetics
Classification: Uncertain significance for Primary ciliary dyskinesia. Last evaluated: 2025-08-03. Review status: criteria provided, single submitter. Criteria: Ambry Variant Classification Scheme 2023. Collection method: clinical testing. Allele origin: germline.
Comment: The p.Y86C variant (also known as c.257A>G), located in coding exon 3 of the CCDC40 gene, results from an A to G substitution at nucleotide position 257. The tyrosine at codon 86 is replaced by cysteine, an amino acid with highly dissimilar properties. This amino acid position is poorly conserved in available vertebrate species. In addition, this alteration is predicted to be tolerated by in silico analysis. Since supporting evidence is limited at this time, the clinical significance of this alteration remains unclear.

ARUP Laboratories, Molecular Genetics and Genomics, ARUP Laboratories
Classification: Uncertain significance for Primary ciliary dyskinesia 15. Last evaluated: 2025-01-22. Review status: criteria provided, single submitter. Criteria: ARUP Molecular Germline Variant Investigation Process 2024. Collection method: clinical testing. Allele origin: germline.
Comment: The CCDC40 c.257A>G; p.Tyr86Cys variant (rs202220442, ClinVar Variation ID: 325722) is reported in the literature in an individual affected with heterotaxy syndrome (Alsamri 2021). This variant is found in the general population with an overall allele frequency of 0.007% (20/278,654 alleles) in the Genome Aggregation Database (v2.1.1). Computational analyses predict that this variant is neutral (REVEL: 0.04). Due to limited information, the clinical significance of this variant is uncertain at this time. References: Alsamri MT et al. A Study on the Genetics of Primary Ciliary Dyskinesia. J Clin Med. 2021 Oct 30;10(21):5102. PMID: 34768622.

Molecular Genetics McLendon Clinical Laboratories, University of North Carolina at Chapel Hill
Classification: Uncertain significance for Primary ciliary dyskinesia. Last evaluated: 2024-03-19. Review status: criteria provided, single submitter. Criteria: ACMG Guidelines, 2015. Collection method: clinical testing. Allele origin: germline.

Labcorp Genetics (formerly Invitae), Labcorp
Classification: Uncertain significance for Primary ciliary dyskinesia. Last evaluated: 2024-01-15. Review status: criteria provided, single submitter. Criteria: Invitae Variant Classification Sherloc (09022015). Collection method: clinical testing. Allele origin: germline.
Comment: This sequence change replaces tyrosine, which is neutral and polar, with cysteine, which is neutral and slightly polar, at codon 86 of the CCDC40 protein (p.Tyr86Cys). This variant is present in population databases (rs202220442, gnomAD 0.01%). This missense change has been observed in individual(s) with heterotaxy syndrome (PMID: 34768622). ClinVar contains an entry for this variant (Variation ID: 325722). An algorithm developed to predict the effect of missense changes on protein structure and function (PolyPhen-2) suggests that this variant¬†is likely to be tolerated. In summary, the available evidence is currently insufficient to determine the role of this variant in disease. Therefore, it has been classified as a Variant of Uncertain Significance.

Illumina Laboratory Services, Illumina
Classification: Uncertain significance for Primary ciliary dyskinesia 15. Last evaluated: 2018-01-13. Review status: criteria provided, single submitter. Criteria: ICSL Variant Classification Criteria 13 December 2019. Collection method: clinical testing. Allele origin: germline.

Literature cited by the submitters: PubMed 34768622 (cited by Labcorp Genetics (formerly Invitae), Labcorp).